The following is an entry in ClinVar:

ClinVar aggregate classification (germline): Pathogenic (1 of 4 stars; one submission).

Submission:

Labcorp Genetics (formerly Invitae), Labcorp
Classification: Pathogenic. Last evaluated: 2023-12-04. Review status: criteria provided, single submitter. Criteria: Invitae Variant Classification Sherloc (09022015). Collection method: clinical testing. Allele origin: germline.
Comment: This sequence change creates a premature translational stop signal (p.Leu703Hisfs*5) in the IARS gene. It is expected to result in an absent or disrupted protein product. Loss-of-function variants in IARS are known to be pathogenic (PMID: 27426735, 27891590). This variant is not present in population databases (gnomAD no frequency). This variant has not been reported in the literature in individuals affected with IARS-related conditions. For these reasons, this variant has been classified as Pathogenic.

Literature cited by the submitters: PubMed 27426735; PubMed 27891590.

NM_002161.6(IARS1):c.2108_2109del (p.Leu703fs)

Gene: IARS1 (isoleucyl-tRNA synthetase 1; minus strand). Cytogenetic location: 9q22.31.
Variant type: Microsatellite.
Coding change: c.2108_2109del on transcript NM_002161.6 (MANE Select); coding-DNA positions 2108 to 2109, 2 bases deleted (TC; older notation c.2108_2109delTC).
Protein change: p.Leu703fs; shifts the reading frame from leucine 703.
Molecular consequence: frameshift variant. On other transcripts: non-coding transcript variant (1).
Genome position (GRCh38, 1-based): chr9:92,256,708-92,256,709, GA deleted on the plus strand (TC on the coding strand, the reverse complement: IARS1 is on the minus strand); deleting any 2 consecutive bases within chr9:92,256,708-92,256,713 gives the same sequence; the c. name uses the placement nearest the transcript's 3' end. VCF-style (leftmost placement, unchanged base first): chr9-92256707-TGA-T. GRCh37 (hg19) VCF-style: chr9-95018989-TGA-T.
Other names: c.2108_2109del, p.Leu703fs (NM_001374299.1, NM_001374300.1, NM_001378572.1 and 13 more transcripts); c.2024_2025del, p.Leu675fs (NM_001374301.1); c.2171_2172del, p.Leu724fs (NM_001378569.1); c.2129_2130del, p.Leu710fs (NM_001378571.1); c.1985_1986del, p.Leu662fs (NM_001378583.1); short protein forms L703fs, L710fs, L724fs, L662fs, L675fs.
Identifiers: ClinVar variation 2782366 (VCV002782366.3), dbSNP rs2490595544, ClinGen allele CA2739269355.